The following is an entry in ClinVar:

ClinVar aggregate classification (germline): Conflicting classifications of pathogenicity. Review status: criteria provided, conflicting classifications (1 of 4 stars). 3 submissions from 3 submitters: Likely pathogenic (1); Uncertain significance (2). Last evaluated 2024-08-06.

Conditions:
Long QT syndrome (LQTS). Identifiers: MedGen C0023976, MeSH D008133, MONDO:0002442. Disease mechanism: loss of function. Inheritance: Various modes of inheritance.

Submissions (3):

All of Us Research Program, National Institutes of Health
Classification: Uncertain significance for Long QT syndrome. Last evaluated: 2024-08-06. Review status: criteria provided, single submitter. Criteria: ACMG Guidelines, 2015. Collection method: clinical testing. Allele origin: germline. Inheritance: Autosomal dominant inheritance. Observed: 1 variant allele, 1 heterozygote.
Comment: This study involves interpretation of variants in research participants for the purpose of population health screening. Participant phenotype was not available at the time of variant classification. Additional details can be found in publication PMID: 35346344, PMCID: PMC8962531

Labcorp Genetics (formerly Invitae), Labcorp
Classification: Uncertain significance for Long QT syndrome. Last evaluated: 2024-05-13. Review status: criteria provided, single submitter. Criteria: Invitae Variant Classification Sherloc (09022015). Collection method: clinical testing. Allele origin: germline.
Comment: This sequence change replaces aspartic acid, which is acidic and polar, with histidine, which is basic and polar, at codon 580 of the KCNH2 protein (p.Asp580His). This variant is not present in population databases (gnomAD no frequency). This variant has not been reported in the literature in individuals affected with KCNH2-related conditions. ClinVar contains an entry for this variant (Variation ID: 191223). An algorithm developed to predict the effect of missense changes on protein structure and function (PolyPhen-2) suggests that this variant is likely to be disruptive. In summary, the available evidence is currently insufficient to determine the role of this variant in disease. Therefore, it has been classified as a Variant of Uncertain Significance.

Genomic Medicine Center of Excellence, King Faisal Specialist Hospital and Research Centre
Classification: Likely pathogenic. Review status: criteria provided, single submitter. Criteria: ACMG Guidelines, 2015. Collection method: research. Allele origin: germline. Affected: yes.

NM_000238.4(KCNH2):c.1738G>C (p.Asp580His)

Gene: KCNH2 (potassium voltage-gated channel subfamily H member 2; minus strand). Cytogenetic location: 7q36.1.
Variant type: single nucleotide variant.
Coding change: c.1738G>C on transcript NM_000238.4 (MANE Select); coding-DNA position 1738, G replaced by C.
Protein change: p.Asp580His; replaces aspartic acid 580 with histidine.
Molecular consequence: missense variant.
Genome position (GRCh38, 1-based): chr7:150,951,655, C>G on the plus strand (G>C on the coding strand, the complement: KCNH2 is on the minus strand). VCF-style: chr7-150951655-C-G. GRCh37 (hg19) VCF-style: chr7-150648743-C-G.
Other names: c.718G>C, p.Asp240His (NM_001204798.2, NM_172057.3); c.1450G>C, p.Asp484His (NM_001406753.1, NM_001406756.1); c.1561G>C, p.Asp521His (NM_001406755.1); c.1438G>C, p.Asp480His (NM_001406757.1); c.1738G>C, p.Asp580His (NM_172056.3); short protein forms D240H, D580H, D480H, D521H, D484H.
Identifiers: ClinVar variation 191223 (VCV000191223.9), dbSNP rs786205588, ClinGen allele CA005317.